The following is an entry in ClinVar:

NM_022437.3(ABCG8):c.1199C>T (p.Thr400Met)

Gene: ABCG8 (ATP binding cassette subfamily G member 8; plus strand). Cytogenetic location: 2p21.
Variant type: single nucleotide variant.
Coding change: c.1199C>T on transcript NM_022437.3 (MANE Select); coding-DNA position 1199, C replaced by T.
Protein change: p.Thr400Met; replaces threonine 400 with methionine.
Molecular consequence: missense variant.
Genome position (GRCh38, 1-based): chr2:43,872,294, C>T. VCF-style: chr2-43872294-C-T. GRCh37 (hg19) VCF-style: chr2-44099433-C-T.
Other names: c.1196C>T, p.Thr399Met (NM_001357321.2); c.1199C>T (NM_022437.2); short protein forms T399M, T400M.
Identifiers: ClinVar variation 2690820 (VCV002690820.5), dbSNP rs4148217, ClinGen allele CA1637336.

ClinVar aggregate classification (germline): Conflicting classifications of pathogenicity. Review status: criteria provided, conflicting classifications (1 of 4 stars). 4 submissions from 4 submitters: Uncertain significance (3); Likely benign (1). Last evaluated 2026-01-26.

Conditions:
Sitosterolemia 1. Identifiers: MedGen C2749759, MONDO:0020747, OMIM 210250.
ABCG8-related disorder. Also called: ABCG8-related condition.
Cardiovascular phenotype. Identifiers: MedGen CN230736.

gnomAD v4.1: 20 of 1,613,348 alleles (0.0012%); highest among the groups gnomAD compares: Admixed American, 0.0017%; no homozygotes.

Submissions (4):

Labcorp Genetics (formerly Invitae), Labcorp
Classification: Uncertain significance. Last evaluated: 2026-01-26. Review status: criteria provided, single submitter. Criteria: Invitae Variant Classification Sherloc (09022015). Collection method: clinical testing. Allele origin: germline.
Comment: This sequence change replaces threonine, which is neutral and polar, with methionine, which is neutral and non-polar, at codon 400 of the ABCG8 protein (p.Thr400Met). This variant is present in population databases (rs4148217, gnomAD 0.003%). This variant has not been reported in the literature in individuals affected with ABCG8-related conditions. ClinVar contains an entry for this variant (Variation ID: 2690820). Invitae Evidence Modeling of protein sequence and biophysical properties (such as structural, functional, and spatial information, amino acid conservation, physicochemical variation, residue mobility, and thermodynamic stability) indicates that this missense variant is not expected to disrupt ABCG8 protein function with a negative predictive value of 80%. In summary, the available evidence is currently insufficient to determine the role of this variant in disease. Therefore, it has been classified as a Variant of Uncertain Significance.

Ambry Genetics
Classification: Likely benign for Cardiovascular phenotype. Last evaluated: 2025-11-19. Review status: criteria provided, single submitter. Criteria: Ambry Variant Classification Scheme 2023. Collection method: clinical testing. Allele origin: germline.

PreventionGenetics, part of Exact Sciences
Classification: Uncertain significance for ABCG8-related condition. Last evaluated: 2024-12-16. Review status: criteria provided, single submitter. Criteria: ACMG Guidelines, 2015. Collection method: clinical testing. Allele origin: germline.
Comment: The ABCG8 c.1199C>T variant is predicted to result in the amino acid substitution p.Thr400Met. To our knowledge, this variant has not been reported in the literature. This variant is reported in 0.0028% of alleles in individuals of Latino descent in gnomAD. At this time, the clinical significance of this variant is uncertain due to the absence of conclusive functional and genetic evidence.

Revvity Omics, Revvity
Classification: Uncertain significance for Sitosterolemia 1. Last evaluated: 2024-08-07. Review status: criteria provided, single submitter. Criteria: ACMG Guidelines, 2015. Collection method: clinical testing. Allele origin: germline.

Literature cited by the submitters: PubMed 21664501 (cited by Ambry Genetics); PubMed 24691589 (cited by Ambry Genetics).